The following is an entry in ClinVar:

NM_005157.6(ABL1):c.1381C>A (p.Pro461Thr)

Gene: ABL1 (ABL proto-oncogene 1, non-receptor tyrosine kinase; plus strand). Cytogenetic location: 9q34.12.
Variant type: single nucleotide variant.
Coding change: c.1381C>A on transcript NM_005157.6 (MANE Select); coding-DNA position 1381, C replaced by A.
Protein change: p.Pro461Thr; replaces proline 461 with threonine.
Molecular consequence: missense variant.
Genome position (GRCh38, 1-based): chr9:130,878,525, C>A. VCF-style: chr9-130878525-C-A. GRCh37 (hg19) VCF-style: chr9-133753912-C-A.
Other names: c.1438C>A, p.Pro480Thr (NM_007313.3); short protein forms P461T, P480T.
Identifiers: ClinVar variation 2745583 (VCV002745583.3), dbSNP rs2133017522, ClinGen allele CA375251225.

ClinVar aggregate classification (germline): Uncertain significance (1 of 4 stars; one submission).

Submission:

Labcorp Genetics (formerly Invitae), Labcorp
Classification: Uncertain significance. Last evaluated: 2023-07-20. Review status: criteria provided, single submitter. Criteria: Invitae Variant Classification Sherloc (09022015). Collection method: clinical testing. Allele origin: germline.
Comment: This sequence change replaces proline, which is neutral and non-polar, with threonine, which is neutral and polar, at codon 480 of the ABL1 protein (p.Pro480Thr). This variant is not present in population databases (gnomAD no frequency). This variant has not been reported in the literature in individuals affected with ABL1-related conditions. Advanced modeling of protein sequence and biophysical properties (such as structural, functional, and spatial information, amino acid conservation, physicochemical variation, residue mobility, and thermodynamic stability) performed at Invitae indicates that this missense variant is expected to disrupt ABL1 protein function. In summary, the available evidence is currently insufficient to determine the role of this variant in disease. Therefore, it has been classified as a Variant of Uncertain Significance.